The following is an entry in ClinVar:

ClinVar aggregate classification (germline): Pathogenic (1 of 4 stars; one submission).

Conditions:
Ornithine aminotransferase deficiency (GACR). Also called: HYPERORNITHINEMIA WITH GYRATE ATROPHY OF CHOROID AND RETINA; Ornithine ketoacid aminotransferase deficiency; Gyrate atrophy; Gyrate atrophy of choroid and retina; Girate atrophy of the retina; OAT DEFICIENCY. Identifiers: Orphanet 414, MedGen C0018425, MONDO:0009796, OMIM 258870.

Submission:

Labcorp Genetics (formerly Invitae), Labcorp
Classification: Pathogenic for Ornithine aminotransferase deficiency. Last evaluated: 2022-02-04. Review status: criteria provided, single submitter. Criteria: Invitae Variant Classification Sherloc (09022015). Collection method: clinical testing. Allele origin: germline.
Comment: For these reasons, this variant has been classified as Pathogenic. This variant has not been reported in the literature in individuals affected with OAT-related conditions. This variant is a gross deletion of the genomic region encompassing exon(s) 2-4 of the OAT gene, which includes the initiator codon. This deletion extends beyond the assayed region for this gene and therefore may encompass additional genes. It is expected to result in an absent or disrupted protein product. Loss-of-function variants in OAT are known to be pathogenic (PMID: 1737786, 23076989).

Literature cited by the submitters: PubMed 1737786; PubMed 23076989.

NC_000010.10:g.(?_126097101)_(126100750_?)del

Gene: OAT (ornithine aminotransferase; minus strand). Cytogenetic location: 10q26.13.
Variant type: Deletion.
Identifiers: ClinVar variation 1458957 (VCV001458957.5).